The following is an entry in ClinVar:

NM_004655.4(AXIN2):c.304G>C (p.Glu102Gln)

Gene: AXIN2 (axin 2; minus strand). Cytogenetic location: 17q24.1.
Variant type: single nucleotide variant.
Coding change: c.304G>C on transcript NM_004655.4 (MANE Select); coding-DNA position 304, G replaced by C.
Protein change: p.Glu102Gln; replaces glutamic acid 102 with glutamine.
Molecular consequence: missense variant.
Genome position (GRCh38, 1-based): chr17:65,558,317, C>G on the plus strand (G>C on the coding strand, the complement: AXIN2 is on the minus strand). VCF-style: chr17-65558317-C-G. GRCh37 (hg19) VCF-style: chr17-63554435-C-G.
Other names: c.304G>C, p.Glu102Gln (NM_001363813.1); short protein forms E102Q.
Identifiers: ClinVar variation 1057457 (VCV001057457.12), dbSNP rs769104629, ClinGen allele CA400681697.
Genomic context (GRCh38, chr17:65,558,317, plus strand): 5'-GGTTCATCTGCCTGAATCCATTGCAGGCAAACCAGAAGTCTAAGGTATCCACGCATTTCT[C>G]CCTCTCCAGGAAAGTTCGGAACAGGTAAGCACCGTCTTGATCGCCCAATAAGGAGTGTAA-3'
Protein context (NP_004646.3, residues 92-112): AYLFRTFLER[Glu102Gln]KCVDTLDFWF

ClinVar aggregate classification (germline): Uncertain significance. Review status: criteria provided, multiple submitters, no conflicts (2 of 4 stars). 2 submissions from 2 submitters: Uncertain significance (2). Last evaluated 2024-10-23.

Conditions:
Oligodontia-cancer predisposition syndrome. Also called: TOOTH AGENESIS-COLORECTAL CANCER SYNDROME. Identifiers: Orphanet 300576, MedGen C1837750, MONDO:0012075, OMIM 608615. Disease mechanism: loss of function.
Hereditary cancer-predisposing syndrome. Also called: Hereditary Cancer Syndrome; Tumor predisposition; Hereditary neoplastic syndrome; Neoplastic Syndromes, Hereditary. Identifiers: Orphanet 140162, MedGen C0027672, MeSH D009386, MONDO:0015356.

gnomAD v4.1: 2 of 1,614,212 alleles (0.00012%); highest among the groups gnomAD compares: Non-Finnish European, 0.00017%; no homozygotes.

Submissions (2):

Ambry Genetics
Classification: Uncertain significance for Hereditary cancer-predisposing syndrome. Last evaluated: 2024-10-23. Review status: criteria provided, single submitter. Criteria: Ambry Variant Classification Scheme 2023. Collection method: clinical testing. Allele origin: germline.
Comment: The p.E102Q variant (also known as c.304G>C), located in coding exon 1 of the AXIN2 gene, results from a G to C substitution at nucleotide position 304. The glutamic acid at codon 102 is replaced by glutamine, an amino acid with highly similar properties. This amino acid position is conserved. In addition, this alteration is predicted to be tolerated by in silico analysis. Since supporting evidence is limited at this time, the clinical significance of this alteration remains unclear.

Labcorp Genetics (formerly Invitae), Labcorp
Classification: Uncertain significance for Oligodontia-cancer predisposition syndrome. Last evaluated: 2024-04-29. Review status: criteria provided, single submitter. Criteria: Invitae Variant Classification Sherloc (09022015). Collection method: clinical testing. Allele origin: germline.
Comment: This sequence change replaces glutamic acid, which is acidic and polar, with glutamine, which is neutral and polar, at codon 102 of the AXIN2 protein (p.Glu102Gln). This variant is not present in population databases (gnomAD no frequency). This variant has not been reported in the literature in individuals affected with AXIN2-related conditions. ClinVar contains an entry for this variant (Variation ID: 1057457). Advanced modeling of protein sequence and biophysical properties (such as structural, functional, and spatial information, amino acid conservation, physicochemical variation, residue mobility, and thermodynamic stability) performed at Invitae indicates that this missense variant is expected to disrupt AXIN2 protein function with a positive predictive value of 80%. In summary, the available evidence is currently insufficient to determine the role of this variant in disease. Therefore, it has been classified as a Variant of Uncertain Significance.